The following is an entry in ClinVar:

ClinVar aggregate classification (germline): Uncertain significance (1 of 4 stars; one submission).

gnomAD v4.1: 3 of 1,567,654 alleles (0.00019%); highest among the groups gnomAD compares: Non-Finnish European, 0.00026%; no homozygotes.

Submission:

Labcorp Genetics (formerly Invitae), Labcorp
Classification: Uncertain significance. Last evaluated: 2022-08-16. Review status: criteria provided, single submitter. Criteria: Invitae Variant Classification Sherloc (09022015). Collection method: clinical testing. Allele origin: germline.
Comment: This sequence change replaces alanine, which is neutral and non-polar, with serine, which is neutral and polar, at codon 35 of the CANT1 protein (p.Ala35Ser). This variant is not present in population databases (gnomAD no frequency). This variant has not been reported in the literature in individuals affected with CANT1-related conditions. Algorithms developed to predict the effect of missense changes on protein structure and function (SIFT, PolyPhen-2, Align-GVGD) all suggest that this variant is likely to be tolerated. In summary, the available evidence is currently insufficient to determine the role of this variant in disease. Therefore, it has been classified as a Variant of Uncertain Significance.

NM_001159773.2(CANT1):c.103G>T (p.Ala35Ser)

Gene: CANT1 (calcium activated nucleotidase 1; minus strand). Cytogenetic location: 17q25.3.
Variant type: single nucleotide variant.
Coding change: c.103G>T on transcript NM_001159773.2 (MANE Select); coding-DNA position 103, G replaced by T.
Protein change: p.Ala35Ser; replaces alanine 35 with serine.
Molecular consequence: missense variant.
Genome position (GRCh38, 1-based): chr17:78,997,520, C>A on the plus strand (G>T on the coding strand, the complement: CANT1 is on the minus strand). VCF-style: chr17-78997520-C-A. GRCh37 (hg19) VCF-style: chr17-76993602-C-A.
Other names: c.103G>T, p.Ala35Ser (NM_001159772.2, NM_138793.4); short protein forms A35S.
Identifiers: ClinVar variation 1476385 (VCV001476385.5), dbSNP rs199950703, ClinGen allele CA8808823.
Genomic context (GRCh38, chr17:78,997,520, plus strand): 5'-TGGCAGCACCCACAAAGAACGTCAGGATCACCTTCCAGCGGGGGCGGAAGCGGGGGTCCG[C>A]GGCCTTGGTCATGGACGCCAGCACAGGAAGGCCCCCCACACTGATCCGGAGGGAGTGCAT-3'
Protein context (NP_001153245.1, residues 25-45): LPVLASMTKA[Ala35Ser]DPRFRPRWKV